The following is an entry in ClinVar:

NM_020800.3(IFT80):c.1376A>G (p.His459Arg)

Genes: IFT80 (intraflagellar transport 80; minus strand), TRIM59-IFT80 (TRIM59-IFT80 readthrough (NMD candidate); minus strand). Cytogenetic location: 3q25.33.
Variant type: single nucleotide variant.
Coding change: c.1376A>G on transcript NM_020800.3 (MANE Select); coding-DNA position 1376, A replaced by G.
Protein change: p.His459Arg; replaces histidine 459 with arginine.
Molecular consequence: missense variant. On other transcripts: non-coding transcript variant (3).
Genome position (GRCh38, 1-based): chr3:160,285,808, T>C on the plus strand (A>G on the coding strand, the complement: IFT80 is on the minus strand). VCF-style: chr3-160285808-T-C. GRCh37 (hg19) VCF-style: chr3-160003596-T-C.
Other names: c.965A>G, p.His322Arg (NM_001190241.2, NM_001190242.2); short protein forms H322R, H459R.
Identifiers: ClinVar variation 957752 (VCV000957752.9), dbSNP rs1351949409, ClinGen allele CA355192527.

ClinVar aggregate classification (germline): Uncertain significance (1 of 4 stars; one submission).

Conditions:
Jeune thoracic dystrophy. Also called: Jeune syndrome; Infantile thoracic dystrophy; Thoracic pelvic phalangeal dystrophy; Jeune's syndrome; Chondroectodermal dysplasia-like syndrome; Short-rib thoracic dysplasia. Identifiers: Orphanet 474, MedGen C0265275, MONDO:0018770.

Allele frequency attached by ClinVar (database versions not stated): gnomAD exomes below 0.00001; gnomAD 0.00001; TOPMed 0.00002.
gnomAD v4.1: 8 of 1,603,682 alleles (0.0005%); highest among the groups gnomAD compares: African/African-American, 0.0067%; no homozygotes.

Submission:

Labcorp Genetics (formerly Invitae), Labcorp
Classification: Uncertain significance for Jeune thoracic dystrophy. Last evaluated: 2022-07-19. Review status: criteria provided, single submitter. Criteria: Invitae Variant Classification Sherloc (09022015). Collection method: clinical testing. Allele origin: germline.
Comment: In summary, the available evidence is currently insufficient to determine the role of this variant in disease. Therefore, it has been classified as a Variant of Uncertain Significance. Algorithms developed to predict the effect of sequence changes on RNA splicing suggest that this variant may create or strengthen a splice site. Algorithms developed to predict the effect of missense changes on protein structure and function are either unavailable or do not agree on the potential impact of this missense change (SIFT: "Tolerated"; PolyPhen-2: "Probably Damaging"; Align-GVGD: "Class C0"). ClinVar contains an entry for this variant (Variation ID: 957752). This variant has not been reported in the literature in individuals affected with IFT80-related conditions. This variant is not present in population databases (gnomAD no frequency). This sequence change replaces histidine, which is basic and polar, with arginine, which is basic and polar, at codon 459 of the IFT80 protein (p.His459Arg).